The following is an entry in ClinVar:

NM_139276.3(STAT3):c.685G>A (p.Glu229Lys)

Genes: STAT3 (signal transducer and activator of transcription 3; minus strand), LOC130060888 (ATAC-STARR-seq lymphoblastoid active region 12197; plus strand). Cytogenetic location: 17q21.2.
Variant type: single nucleotide variant.
Coding change: c.685G>A on transcript NM_139276.3 (MANE Select); coding-DNA position 685, G replaced by A.
Protein change: p.Glu229Lys; replaces glutamic acid 229 with lysine.
Molecular consequence: missense variant.
Genome position (GRCh38, 1-based): chr17:42,337,547, C>T on the plus strand (G>A on the coding strand, the complement: STAT3 is on the minus strand). VCF-style: chr17-42337547-C-T. GRCh37 (hg19) VCF-style: chr17-40489565-C-T.
Other names: c.685G>A, p.Glu229Lys (NM_001369512.1, NM_001369513.1, NM_001369514.1 and 15 more transcripts); c.607G>A, p.Glu203Lys (NM_001384985.1); c.589G>A, p.Glu197Lys (NM_001384989.1); short protein forms E197K, E203K, E229K.
Identifiers: ClinVar variation 2053465 (VCV002053465.4), dbSNP rs1348311948, ClinGen allele CA399593516.

ClinVar aggregate classification (germline): Uncertain significance (1 of 4 stars; one submission).

Conditions:
Hyper-IgE recurrent infection syndrome 1, autosomal dominant. Also called: JOB SYNDROME; HYPER-IgE SYNDROME 1, AUTOSOMAL DOMINANT, WITH RECURRENT INFECTIONS; Job's Syndrome; STAT3 Hyper IgE Syndrome; Hyper-IgE recurrent infection syndrome 1. Identifiers: Orphanet 2314, MedGen C2936739, MONDO:0007818, OMIM 147060.
STAT3 gain of function. Identifiers: MedGen C4288261.

Allele frequency attached by ClinVar (database versions not stated): TOPMed below 0.00001.

Submission:

Labcorp Genetics (formerly Invitae), Labcorp
Classification: Uncertain significance for STAT3 gain of function; Hyper-IgE recurrent infection syndrome 1, autosomal dominant. Last evaluated: 2022-05-12. Review status: criteria provided, single submitter. Criteria: Invitae Variant Classification Sherloc (09022015). Collection method: clinical testing. Allele origin: germline.
Comment: This variant is not present in population databases (gnomAD no frequency). This variant has not been reported in the literature in individuals affected with STAT3-related conditions. This sequence change replaces glutamic acid, which is acidic and polar, with lysine, which is basic and polar, at codon 229 of the STAT3 protein (p.Glu229Lys). In summary, the available evidence is currently insufficient to determine the role of this variant in disease. Therefore, it has been classified as a Variant of Uncertain Significance. Advanced modeling of protein sequence and biophysical properties (such as structural, functional, and spatial information, amino acid conservation, physicochemical variation, residue mobility, and thermodynamic stability) performed at Invitae indicates that this missense variant is not expected to disrupt STAT3 protein function.